The following is an entry in ClinVar:

NM_012073.5(CCT5):c.1317+10C>A

Gene: CCT5 (chaperonin containing TCP1 subunit 5; plus strand). Cytogenetic location: 5p15.2.
Variant type: single nucleotide variant.
Coding change: c.1317+10C>A on transcript NM_012073.5 (MANE Select); 10 bases into the intron after coding-DNA position 1317, C replaced by A.
Molecular consequence: intron variant.
Genome position (GRCh38, 1-based): chr5:10,262,628, C>A. VCF-style: chr5-10262628-C-A. GRCh37 (hg19) VCF-style: chr5-10262740-C-A.
Other names: c.1317+10C>A (NM_012073.4); c.1254+10C>A (NM_001306153.1); c.1152+10C>A (NM_001306154.2); c.1203+10C>A (NM_001306156.2); c.1038+10C>A (NM_001306155.2).
Identifiers: ClinVar variation 350257 (VCV000350257.20), dbSNP rs2578642, ClinGen allele CA3198323.
Genomic context (GRCh38, chr5:10,262,628, plus strand): 5'-GGGGCTGCTGAGATATCCTGTGCCCTGGCAGTTAGCCAAGAGGCGGATAAGGTAAGGGAT[C>A]TGTGCAGACTTAGTGAAAGATTCAGGCCTCGCTGATGGTGGAGACTGTGAAGCTGCGGAA-3'

ClinVar aggregate classification (germline): Benign. Review status: criteria provided, multiple submitters, no conflicts (2 of 4 stars). 8 submissions from 8 submitters: Benign (6). 2 of the submissions do not count toward it. Last evaluated 2026-02-03.

Conditions:
Hereditary sensory and autonomic neuropathy with spastic paraplegia (HSNSP). Identifiers: Orphanet 139578, MedGen C1850395, MONDO:0009748, OMIM 256840.

Allele frequency attached by ClinVar (database versions not stated): 1000 Genomes Project 30x 0.67645; 1000 Genomes Project 0.68590; ESP Exome Variant Server 0.71867; TOPMed 0.72706; gnomAD 0.73429 and 0.73728; ExAC 0.78944; gnomAD exomes 0.79905 and 0.83434.
gnomAD v4.1: 1,330,995 of 1,613,666 alleles (82%); highest among the groups gnomAD compares: East Asian, 89%; 556,319 homozygotes.

Submissions (8):

Labcorp Genetics (formerly Invitae), Labcorp
Classification: Benign for Hereditary sensory and autonomic neuropathy with spastic paraplegia. Last evaluated: 2026-02-03. Review status: criteria provided, single submitter. Criteria: Invitae Variant Classification Sherloc (09022015). Collection method: clinical testing. Allele origin: germline.

Genome-Nilou Lab
Classification: Benign for Hereditary sensory and autonomic neuropathy with spastic paraplegia. Last evaluated: 2021-07-14. Review status: criteria provided, single submitter. Criteria: ACMG Guidelines, 2015. Collection method: clinical testing. Allele origin: germline. Affected: no.

Illumina Laboratory Services, Illumina
Classification: Benign for Hereditary sensory and autonomic neuropathy with spastic paraplegia. Last evaluated: 2018-01-13. Review status: criteria provided, single submitter. Criteria: ICSL Variant Classification Criteria 13 December 2019. Collection method: clinical testing. Allele origin: germline.
Comment: This variant was observed in the ICSL laboratory as part of a predisposition screen in an ostensibly healthy population. It had not been previously curated by ICSL or reported in the Human Gene Mutation Database (HGMD: prior to June 1st, 2018), and was therefore a candidate for classification through an automated scoring system. Utilizing variant allele frequency, disease prevalence and penetrance estimates, and inheritance mode, an automated score was calculated to assess if this variant is too frequent to cause the disease. Based on the score and internal cut-off values, a variant classified as benign is not then subjected to further curation. The score for this variant resulted in a classification of benign for this disease.

Mayo Clinic Laboratories, Mayo Clinic
Classification: Benign. Last evaluated: 2016-03-01. Review status: criteria provided, single submitter. Criteria: ACMG Guidelines, 2015. Collection method: clinical testing. Allele origin: germline. Observed: 738 variant alleles.

GeneDx
Classification: Benign. Last evaluated: 2015-03-03. Review status: criteria provided, single submitter. Criteria: GeneDx Variant Classification Process June 2021. Collection method: clinical testing. Allele origin: germline. Affected: yes.

Breakthrough Genomics
Classification: Benign. Review status: criteria provided, single submitter. Criteria: ACMG Guidelines, 2015. Collection method: not provided. Allele origin: germline. Inheritance: Autosomal recessive inheritance. Affected: yes.

Clinical Genetics, Academic Medical Center
Classification: Benign. Review status: no assertion criteria provided. Collection method: clinical testing. Allele origin: germline. Affected: yes. Study: VKGL Data-share Consensus. Not counted in ClinVar's aggregate classification.

Diagnostic Laboratory, Department of Genetics, University Medical Center Groningen
Classification: Benign for Hereditary sensory and autonomic neuropathy with spastic paraplegia. Review status: no assertion criteria provided. Collection method: clinical testing. Allele origin: germline. Affected: yes. Study: VKGL Data-share Consensus. Not counted in ClinVar's aggregate classification.